The following is an entry in ClinVar:

NM_000277.3(PAH):c.1084C>T (p.Pro362Ser)

Gene: PAH (phenylalanine hydroxylase; minus strand). Cytogenetic location: 12q23.2.
Variant type: single nucleotide variant.
Coding change: c.1084C>T on transcript NM_000277.3 (MANE Select); coding-DNA position 1084, C replaced by T.
Protein change: p.Pro362Ser; replaces proline 362 with serine.
Molecular consequence: missense variant.
Genome position (GRCh38, 1-based): chr12:102,843,761, G>A on the plus strand (C>T on the coding strand, the complement: PAH is on the minus strand). VCF-style: chr12-102843761-G-A. GRCh37 (hg19) VCF-style: chr12-103237539-G-A.
Other names: NM_001354304.2:c.1084C>T; c.1084C>T, p.Pro362Ser (NM_001354304.2); short protein forms P362S.
Identifiers: ClinVar variation 1810381 (VCV001810381.1), dbSNP rs62507329, ClinGen allele CA6748745.

ClinVar aggregate classification (germline): Likely pathogenic (3 of 4 stars; one submission).

Conditions:
Phenylketonuria (PKU). Also called: Phenylketonurias; OLIGOPHRENIA PHENYLPYRUVICA; FOLLING DISEASE; Phenylketonuria (PKU). Identifiers: Orphanet 716, MedGen C0031485, MONDO:0009861, OMIM 261600. Disease mechanism: loss of function.

Allele frequency attached by ClinVar (database versions not stated): ExAC 0.00001.

Submission:

ClinGen PAH Variant Curation Expert Panel
Classification: Likely pathogenic for Phenylketonuria. Last evaluated: 2022-12-09. Review status: reviewed by expert panel. Criteria: ClinGen PAH ACMG Specifications v1. Collection method: curation. Allele origin: germline. Inheritance: Autosomal recessive inheritance.
Comment: This c.1084C>T (p.Pro362Ser) variant in PAH was reported in a patient with classic PKU in trans with the pathogenic variant p.Arg413Pro (PMID: 28982351). This variant was present at an extremely low frequency in ExAC and absent in the gnomAD population database. Multiple lines of computational evidence support a deleterious effect. In summary, this variant meets criteria to be classified as likely pathogenic for PAH. PAH-specific ACMG/AMP criteria applied: PM3, PM2, PP3, PP4.